The following is an entry in ClinVar:

NM_006005.3(WFS1):c.291C>T (p.Ala97=)

Gene: WFS1 (wolframin ER transmembrane glycoprotein; plus strand). Cytogenetic location: 4p16.1.
Variant type: single nucleotide variant.
Coding change: c.291C>T on transcript NM_006005.3 (MANE Select); coding-DNA position 291, C replaced by T.
Protein change: p.Ala97=; no amino-acid change (alanine 97 retained).
Molecular consequence: synonymous variant.
Genome position (GRCh38, 1-based): chr4:6,287,151, C>T. VCF-style: chr4-6287151-C-T. GRCh37 (hg19) VCF-style: chr4-6288878-C-T.
Other names: c.291C>T, p.Ala97= (NM_001145853.1).
Identifiers: ClinVar variation 437294 (VCV000437294.16), dbSNP rs148404077, ClinGen allele CA2838836.

ClinVar aggregate classification (germline): Benign/Likely benign. Review status: criteria provided, multiple submitters, no conflicts (2 of 4 stars). 5 submissions from 5 submitters: Benign (1); Likely benign (4). Last evaluated 2026-08-18.

Conditions:
WFS1-related disorder. Identifiers: MedGen CN379391, MONDO:0700293.
Wolfram syndrome 1 (WFS1). Identifiers: Orphanet 3463, MedGen C4551693, MONDO:0009101, OMIM 222300.

Allele frequency attached by ClinVar (database versions not stated): gnomAD exomes 0.00003 and 0.00005; TOPMed 0.00004; gnomAD 0.00007; ESP Exome Variant Server 0.00016; ExAC 0.00026.
gnomAD v4.1: 51 of 1,560,728 alleles (0.0033%); highest among the groups gnomAD compares: South Asian, 0.038%; 1 homozygote.

Submissions (5):

PreventionGenetics, part of Exact Sciences
Classification: Likely benign for WFS1-related condition. Last evaluated: 2026-08-18. Review status: criteria provided, single submitter. Criteria: ACMG Guidelines, 2015. Collection method: clinical testing. Allele origin: germline.
Comment: This variant is classified as likely benign based on ACMG/AMP sequence variant interpretation guidelines (Richards et al. 2015 PMID: 25741868, with internal and published modifications).

Labcorp Genetics (formerly Invitae), Labcorp
Classification: Likely benign. Last evaluated: 2025-08-29. Review status: criteria provided, single submitter. Criteria: Invitae Variant Classification Sherloc (09022015). Collection method: clinical testing. Allele origin: germline.

Blueprint Genetics
Classification: Likely benign. Last evaluated: 2024-11-26. Review status: criteria provided, single submitter. Criteria: ACMG Guidelines, 2015. Collection method: clinical testing. Allele origin: germline.

Genetic Services Laboratory, University of Chicago
Classification: Likely benign. Last evaluated: 2017-01-17. Review status: criteria provided, single submitter. Criteria: ACMG Guidelines, 2015. Collection method: clinical testing. Allele origin: germline. Affected: no.

Clinical Genomics, Uppaluri K&H Personalized Medicine Clinic
Classification: Benign for Wolfram syndrome 1. Review status: criteria provided, single submitter. Criteria: K & H Uppaluri Personalized Medicine Clinic Variant Classification & Assertion Criteria_Updated V.1. Collection method: research. Allele origin: unknown. Inheritance: Autosomal recessive inheritance.
Comment: Potent mutations in WFS1 gene are associated with Wolfram's syndrome, an autosomal recessive condition, which cause diabetes mellitus, diabetes insipidus, deafness and optic atrophy. However no sufficient evidence is found to ascertain the role of this particular variant rs148404077 in Wolfram's syndrome yet.

Literature cited by the submitters: PubMed 20738327 (cited by Clinical Genomics, Uppaluri K&H Personalized Medicine Clinic); PubMed 33879153 (cited by Clinical Genomics, Uppaluri K&H Personalized Medicine Clinic); PubMed 12955714 (cited by Clinical Genomics, Uppaluri K&H Personalized Medicine Clinic); PubMed 18060660 (cited by Clinical Genomics, Uppaluri K&H Personalized Medicine Clinic); PubMed 20301750 (cited by Clinical Genomics, Uppaluri K&H Personalized Medicine Clinic); PubMed 17603484 (cited by Clinical Genomics, Uppaluri K&H Personalized Medicine Clinic).